The following is an entry in ClinVar:

NM_000179.3(MSH6):c.2690del (p.Asn897fs)

Gene: MSH6 (mutS homolog 6; plus strand). Cytogenetic location: 2p16.3.
Variant type: Deletion.
Coding change: c.2690del on transcript NM_000179.3 (MANE Select); coding-DNA position 2690, one base deleted (A; older notation c.2690delA).
Protein change: p.Asn897fs; shifts the reading frame from asparagine 897.
Molecular consequence: frameshift variant.
Genome position (GRCh38, 1-based): chr2:47,800,673, A deleted; the last of 6 consecutive A bases (chr2:47,800,668-47,800,673); deleting any one gives the same sequence. VCF-style (leftmost placement, unchanged base first): chr2-47800667-CA-C. GRCh37 (hg19) VCF-style: chr2-48027806-CA-C.
Other names: c.2300del, p.Asn767fs (NM_001281492.2); c.1784del, p.Asn595fs (NM_001281493.2, NM_001281494.2); c.2786delA, p.Asn929Ilefs (NM_001406795.1, NM_001406802.1); c.2690delA, p.Asn897Ilefs (NM_001406796.1, NM_001406798.1, NM_001406800.1 and 2 more transcripts); c.2393delA, p.Asn798Ilefs (NM_001406797.1, NM_001406801.1, NM_001406805.1 and 10 more transcripts); c.2165delA, p.Asn722Ilefs (NM_001406799.1, NM_001406806.1, NM_001406807.1); c.2612delA, p.Asn871Ilefs (NM_001406804.1); c.1784delA, p.Asn595Ilefs (NM_001406811.1, NM_001406812.1, NM_001406814.1 and 4 more transcripts); and 3 more; short protein forms N897fs, N595fs, N767fs.
Identifiers: ClinVar variation 1794798 (VCV001794798.3), dbSNP rs1553414010, ClinGen allele CA645514900.

ClinVar aggregate classification (germline): Pathogenic (1 of 4 stars; one submission).

Conditions:
Hereditary cancer-predisposing syndrome. Also called: Tumor predisposition; Hereditary Cancer Syndrome; Hereditary neoplastic syndrome; Neoplastic Syndromes, Hereditary. Identifiers: Orphanet 140162, MedGen C0027672, MeSH D009386, MONDO:0015356.

Submission:

Ambry Genetics
Classification: Pathogenic for Hereditary cancer-predisposing syndrome. Last evaluated: 2026-01-12. Review status: criteria provided, single submitter. Criteria: Ambry Variant Classification Scheme 2023. Collection method: clinical testing. Allele origin: germline.
Comment: The c.2690delA pathogenic mutation, located in coding exon 4 of the MSH6 gene, results from a deletion of one nucleotide at nucleotide position 2690, causing a translational frameshift with a predicted alternate stop codon (p.N897Ifs*9). This variant is considered to be rare based on population cohorts in the Genome Aggregation Database (gnomAD). This alteration is expected to result in loss of function by premature protein truncation or nonsense-mediated mRNA decay. As such, this alteration is interpreted as a disease-causing mutation.